The following is an entry in ClinVar:

NM_000260.4(MYO7A):c.5291A>G (p.Glu1764Gly)

Gene: MYO7A (myosin VIIA; plus strand). Cytogenetic location: 11q13.5.
Variant type: single nucleotide variant.
Coding change: c.5291A>G on transcript NM_000260.4 (MANE Select); coding-DNA position 5291, A replaced by G.
Protein change: p.Glu1764Gly; replaces glutamic acid 1764 with glycine.
Molecular consequence: missense variant.
Genome position (GRCh38, 1-based): chr11:77,203,182, A>G. VCF-style: chr11-77203182-A-G. GRCh37 (hg19) VCF-style: chr11-76914227-A-G.
Other names: c.5177A>G, p.Glu1726Gly (NM_001127180.2); c.5144A>G, p.Glu1715Gly (NM_001369365.1); short protein forms E1764G, E1715G, E1726G.
Identifiers: ClinVar variation 806719 (VCV000806719.50), dbSNP rs759346941, ClinGen allele CA6198665.

ClinVar aggregate classification (germline): Uncertain significance. Review status: criteria provided, multiple submitters, no conflicts (2 of 4 stars). 4 submissions from 4 submitters: Uncertain significance (4). Last evaluated 2025-09-10.

Conditions:
Hearing impairment. Also called: Impaired Hearing. Identifiers: MedGen C1384666, MONDO:0005365, HP:0000365.
MYO7A-related disorder. Also called: MYO7A-related disorders.

Allele frequency attached by ClinVar (database versions not stated): gnomAD exomes 0.00001 and 0.00006; gnomAD 0.00002; TOPMed 0.00002; ExAC 0.00006.
gnomAD v4.1: 80 of 1,552,398 alleles (0.0052%); highest among the groups gnomAD compares: Non-Finnish European, 0.0069%; no homozygotes.

Submissions (4):

PreventionGenetics, part of Exact Sciences
Classification: Uncertain significance for MYO7A-related condition. Last evaluated: 2025-09-10. Review status: criteria provided, single submitter. Criteria: ACMG Guidelines, 2015. Collection method: clinical testing. Allele origin: germline.
Comment: The MYO7A c.5291A>G variant is predicted to result in the amino acid substitution p.Glu1764Gly. To our knowledge, this variant has not been reported in the literature. This variant is reported in 0.0039% of alleles in individuals of European (Non-Finnish) descent in gnomAD. At this time, the clinical significance of this variant is uncertain due to the absence of conclusive functional and genetic evidence.

Labcorp Genetics (formerly Invitae), Labcorp
Classification: Uncertain significance. Last evaluated: 2025-02-20. Review status: criteria provided, single submitter. Criteria: Invitae Variant Classification Sherloc (09022015). Collection method: clinical testing. Allele origin: germline.
Comment: This sequence change replaces glutamic acid, which is acidic and polar, with glycine, which is neutral and non-polar, at codon 1764 of the MYO7A protein (p.Glu1764Gly). The frequency data for this variant in the population databases is considered unreliable, as metrics indicate poor data quality at this position in the gnomAD database. This variant has not been reported in the literature in individuals affected with MYO7A-related conditions. ClinVar contains an entry for this variant (Variation ID: 806719). Invitae Evidence Modeling of protein sequence and biophysical properties (such as structural, functional, and spatial information, amino acid conservation, physicochemical variation, residue mobility, and thermodynamic stability) indicates that this missense variant is not expected to disrupt MYO7A protein function with a negative predictive value of 95%. In summary, the available evidence is currently insufficient to determine the role of this variant in disease. Therefore, it has been classified as a Variant of Uncertain Significance.

Department of Otolaryngology – Head & Neck Surgery, Cochlear Implant Center
Classification: Uncertain significance for Hearing impairment. Last evaluated: 2021-04-12. Review status: criteria provided, single submitter. Criteria: ClinGen HL ACMG Specifications v1. Collection method: clinical testing. Allele origin: germline. Affected: yes.
Comment: PM2_Moderate, PP3_Supporting

CeGaT Center for Human Genetics Tuebingen
Classification: Uncertain significance. Last evaluated: 2016-11-01. Review status: criteria provided, single submitter. Criteria: CeGaT Center For Human Genetics Tuebingen Variant Classification Criteria Version 2. Collection method: clinical testing. Allele origin: germline. Affected: yes. Observed: 1 variant allele.